The following is an entry in ClinVar:

NM_007255.3(B4GALT7):c.414-20G>A

Gene: B4GALT7 (beta-1,4-galactosyltransferase 7; plus strand). Cytogenetic location: 5q35.3.
Variant type: single nucleotide variant.
Coding change: c.414-20G>A on transcript NM_007255.3 (MANE Select); 20 bases into the intron before coding-DNA position 414, G replaced by A.
Molecular consequence: intron variant.
Genome position (GRCh38, 1-based): chr5:177,607,282, G>A. VCF-style: chr5-177607282-G-A. GRCh37 (hg19) VCF-style: chr5-177034283-G-A.
Identifiers: ClinVar variation 391733 (VCV000391733.11), dbSNP rs138092105, ClinGen allele CA3586495.

ClinVar aggregate classification (germline): Benign/Likely benign. Review status: criteria provided, multiple submitters, no conflicts (2 of 4 stars). 3 submissions from 3 submitters: Benign (2); Likely benign (1). Last evaluated 2026-07-01.

Conditions:
Spondylodysplastic Ehlers-Danlos syndrome. Identifiers: Orphanet 536471, Orphanet 75496, MedGen C5680154, MONDO:0007526.

Allele frequency attached by ClinVar (database versions not stated): TOPMed 0.00021; ESP Exome Variant Server 0.00038; 1000 Genomes Project 30x 0.00062; 1000 Genomes Project 0.00080; gnomAD 0.00240 and 0.00252; gnomAD exomes 0.00257; ExAC 0.00502.
gnomAD v4.1: 2,130 of 1,584,444 alleles (0.13%); highest among the groups gnomAD compares: Non-Finnish European, 0.05%; 18 homozygotes.

Submissions (3):

CeGaT Center for Human Genetics Tuebingen
Classification: Likely benign. Last evaluated: 2026-07-01. Review status: criteria provided, single submitter. Criteria: CeGaT Center For Human Genetics Tuebingen Variant Classification Criteria Version 2. Collection method: clinical testing. Allele origin: germline. Affected: yes. Observed: 1 variant allele.
Comment: B4GALT7: BS2

Labcorp Genetics (formerly Invitae), Labcorp
Classification: Benign for Spondylodysplastic Ehlers-Danlos syndrome. Last evaluated: 2026-02-02. Review status: criteria provided, single submitter. Criteria: Invitae Variant Classification Sherloc (09022015). Collection method: clinical testing. Allele origin: germline.

GeneDx
Classification: Benign. Last evaluated: 2017-01-16. Review status: criteria provided, single submitter. Criteria: GeneDx Variant Classification (06012015). Collection method: clinical testing. Allele origin: germline. Affected: yes.
Comment: This variant is considered likely benign or benign based on one or more of the following criteria: it is a conservative change, it occurs at a poorly conserved position in the protein, it is predicted to be benign by multiple in silico algorithms, and/or has population frequency not consistent with disease.